The following is an entry in ClinVar:

NM_024675.4(PALB2):c.2669C>T (p.Ala890Val)

Gene: PALB2 (partner and localizer of BRCA2; minus strand). Cytogenetic location: 16p12.2.
Variant type: single nucleotide variant.
Coding change: c.2669C>T on transcript NM_024675.4 (MANE Select); coding-DNA position 2669, C replaced by T.
Protein change: p.Ala890Val; replaces alanine 890 with valine.
Molecular consequence: missense variant.
Genome position (GRCh38, 1-based): chr16:23,626,315, G>A on the plus strand (C>T on the coding strand, the complement: PALB2 is on the minus strand). VCF-style: chr16-23626315-G-A. GRCh37 (hg19) VCF-style: chr16-23637636-G-A.
Other names: short protein forms A890V.
Identifiers: ClinVar variation 1020026 (VCV001020026.9), dbSNP rs1966842597, ClinGen allele CA395122052.
Genomic context (GRCh38, chr16:23,626,315, plus strand): 5'-TAAAGTTTTTCCCACTGCCAAGCATCCAGAGCTTTCCAAAGAGAAACTACATCTTCGCAA[G>A]CAGTTATGATACATGGCTCTTTACAACCGGCTCTTTCCCAAAACATGGCACTCACATCTA-3'
Protein context (NP_078951.2, residues 880-900): AGCKEPCIIT[Ala890Val]CEDVVSLWKA

ClinVar aggregate classification (germline): Uncertain significance (1 of 4 stars; one submission).

Conditions:
Familial cancer of breast. Also called: Hereditary breast cancer; BREAST CANCER, FAMILIAL; hereditary breast carcinoma. Identifiers: Orphanet 227535, MedGen C0346153, MONDO:0016419, OMIM 114480. Disease mechanism: loss of function.

Submission:

Labcorp Genetics (formerly Invitae), Labcorp
Classification: Uncertain significance for Familial cancer of breast. Last evaluated: 2021-07-14. Review status: criteria provided, single submitter. Criteria: Invitae Variant Classification Sherloc (09022015). Collection method: clinical testing. Allele origin: germline.
Comment: This sequence change replaces alanine with valine at codon 890 of the PALB2 protein (p.Ala890Val). The alanine residue is highly conserved and there is a small physicochemical difference between alanine and valine. This variant is not present in population databases (ExAC no frequency). In summary, the available evidence is currently insufficient to determine the role of this variant in disease. Therefore, it has been classified as a Variant of Uncertain Significance. Algorithms developed to predict the effect of missense changes on protein structure and function (SIFT, PolyPhen-2, Align-GVGD) all suggest that this variant is likely to be disruptive, but these predictions have not been confirmed by published functional studies and their clinical significance is uncertain. This variant has not been reported in the literature in individuals with PALB2-related conditions.